The following is an entry in ClinVar:

ClinVar aggregate classification (germline): Benign/Likely benign. Review status: criteria provided, multiple submitters, no conflicts (2 of 4 stars). 5 submissions from 5 submitters: Benign (1); Likely benign (3). 1 of the submissions does not count toward it. Last evaluated 2026-01-12.

Conditions:
RASA2-related disorder. Also called: RASA2-related condition.

Allele frequency attached by ClinVar (database versions not stated): TOPMed 0.00027; gnomAD exomes 0.00034; gnomAD 0.00038 and 0.00039; ExAC 0.00045; ESP Exome Variant Server 0.00062.
gnomAD v4.1: 539 of 1,611,742 alleles (0.033%); highest among the groups gnomAD compares: Non-Finnish European, 0.041%; no homozygotes.

Submissions (5):

Labcorp Genetics (formerly Invitae), Labcorp
Classification: Likely benign. Last evaluated: 2026-01-12. Review status: criteria provided, single submitter. Criteria: Invitae Variant Classification Sherloc (09022015). Collection method: clinical testing. Allele origin: germline.

Blueprint Genetics
Classification: Likely benign. Last evaluated: 2024-11-25. Review status: criteria provided, single submitter. Criteria: ACMG Guidelines, 2015. Collection method: clinical testing. Allele origin: germline.

Ambry Genetics
Classification: Likely benign. Last evaluated: 2022-02-11. Review status: criteria provided, single submitter. Criteria: Ambry Variant Classification Scheme 2023. Collection method: clinical testing. Allele origin: germline.

Women's Health and Genetics/Laboratory Corporation of America, LabCorp
Classification: Benign. Last evaluated: 2021-02-14. Review status: criteria provided, single submitter. Criteria: LabCorp Variant Classification Summary - May 2015. Collection method: clinical testing. Allele origin: germline.

PreventionGenetics, part of Exact Sciences
Classification: Likely benign for RASA2-related condition. Last evaluated: 2019-03-29. Review status: no assertion criteria provided. Collection method: clinical testing. Allele origin: germline. Not counted in ClinVar's aggregate classification.
Comment: This variant is classified as likely benign based on ACMG/AMP sequence variant interpretation guidelines (Richards et al. 2015 PMID: 25741868, with internal and published modifications).

NM_006506.5(RASA2):c.540C>T (p.Cys180=)

Gene: RASA2 (RAS p21 protein activator 2; plus strand). Cytogenetic location: 3q23.
Variant type: single nucleotide variant.
Coding change: c.540C>T on transcript NM_006506.5 (MANE Select); coding-DNA position 540, C replaced by T.
Protein change: p.Cys180=; no amino-acid change (cysteine 180 retained).
Molecular consequence: synonymous variant.
Genome position (GRCh38, 1-based): chr3:141,553,869, C>T. VCF-style: chr3-141553869-C-T. GRCh37 (hg19) VCF-style: chr3-141272711-C-T.
Other names: c.540C>T (NM_001303246.1); c.540C>T, p.Cys180= (NM_001303245.3, NM_001303246.3).
Identifiers: ClinVar variation 997880 (VCV000997880.13), dbSNP rs148503095, ClinGen allele CA2645238.
Genomic context (GRCh38, chr3:141,553,869, plus strand): 5'-TTGTTTAACTGGAATCTAATATGTTAAATCTCTTTTATTCTACCTTAGCATCAAGGCATG[C>T]CATGGGTTGCCTCTCATAAATGGCCAAAGCTGTGACCCTTATGCAACAGTTTCTCTAGTG-3'
Protein context (NP_006497.2, residues 170-190): CQQLVVHIKA[Cys180=]HGLPLINGQS